The following is an entry in ClinVar:

ClinVar aggregate classification (germline): Uncertain significance (1 of 4 stars; one submission).

Allele frequency attached by ClinVar (database versions not stated): TOPMed 0.00001; gnomAD 0.00003.
gnomAD v4.1: 94 of 1,613,636 alleles (0.0058%); highest among the groups gnomAD compares: South Asian, 0.052%; no homozygotes.

Submission:

Labcorp Genetics (formerly Invitae), Labcorp
Classification: Uncertain significance. Last evaluated: 2025-08-04. Review status: criteria provided, single submitter. Criteria: Invitae Variant Classification Sherloc (09022015). Collection method: clinical testing. Allele origin: germline.
Comment: This sequence change replaces glutamic acid, which is acidic and polar, with lysine, which is basic and polar, at codon 456 of the COLGALT1 protein (p.Glu456Lys). This variant is present in population databases (rs745798315, gnomAD 0.05%). This variant has not been reported in the literature in individuals affected with COLGALT1-related conditions. ClinVar contains an entry for this variant (Variation ID: 2176217). Invitae Evidence Modeling of protein sequence and biophysical properties (such as structural, functional, and spatial information, amino acid conservation, physicochemical variation, residue mobility, and thermodynamic stability) indicates that this missense variant is not expected to disrupt COLGALT1 protein function with a negative predictive value of 80%. In summary, the available evidence is currently insufficient to determine the role of this variant in disease. Therefore, it has been classified as a Variant of Uncertain Significance.

NM_024656.4(COLGALT1):c.1366G>A (p.Glu456Lys)

Gene: COLGALT1 (collagen beta(1-O)galactosyltransferase 1; plus strand). Cytogenetic location: 19p13.11.
Variant type: single nucleotide variant.
Coding change: c.1366G>A on transcript NM_024656.4 (MANE Select); coding-DNA position 1366, G replaced by A.
Protein change: p.Glu456Lys; replaces glutamic acid 456 with lysine.
Molecular consequence: missense variant.
Genome position (GRCh38, 1-based): chr19:17,579,581, G>A. VCF-style: chr19-17579581-G-A. GRCh37 (hg19) VCF-style: chr19-17690390-G-A.
Other names: short protein forms E456K.
Identifiers: ClinVar variation 2176217 (VCV002176217.2), dbSNP rs745798315, ClinGen allele CA9297275.